The following is an entry in ClinVar:

ClinVar aggregate classification (germline): Uncertain significance (1 of 4 stars; one submission).

Conditions:
Fanconi anemia complementation group J. Also called: BRIP1-Related Fanconi Anemia. Identifiers: Orphanet 84, MedGen C1836860, MONDO:0012187, OMIM 609054.
Familial cancer of breast. Also called: hereditary breast carcinoma; BREAST CANCER, FAMILIAL; Hereditary breast cancer. Identifiers: Orphanet 227535, MedGen C0346153, MONDO:0016419, OMIM 114480. Disease mechanism: loss of function.

Submission:

Labcorp Genetics (formerly Invitae), Labcorp
Classification: Uncertain significance for Familial cancer of breast; Fanconi anemia complementation group J. Last evaluated: 2021-02-12. Review status: criteria provided, single submitter. Criteria: Invitae Variant Classification Sherloc (09022015). Collection method: clinical testing. Allele origin: germline.
Comment: In summary, the available evidence is currently insufficient to determine the role of this variant in disease. Therefore, it has been classified as a Variant of Uncertain Significance. Algorithms developed to predict the effect of missense changes on protein structure and function (SIFT, PolyPhen-2, Align-GVGD) all suggest that this variant is likely to be tolerated, but these predictions have not been confirmed by published functional studies and their clinical significance is uncertain. This variant has not been reported in the literature in individuals with BRIP1-related conditions. This variant is not present in population databases (ExAC no frequency). This sequence change replaces proline with threonine at codon 506 of the BRIP1 protein (p.Pro506Thr). The proline residue is weakly conserved and there is a small physicochemical difference between proline and threonine.

NM_032043.3(BRIP1):c.1516C>A (p.Pro506Thr)

Gene: BRIP1 (BRCA1 interacting DNA helicase 1; minus strand). Cytogenetic location: 17q23.2.
Variant type: single nucleotide variant.
Coding change: c.1516C>A on transcript NM_032043.3 (MANE Select); coding-DNA position 1516, C replaced by A.
Protein change: p.Pro506Thr; replaces proline 506 with threonine.
Molecular consequence: missense variant.
Genome position (GRCh38, 1-based): chr17:61,784,382, G>T on the plus strand (C>A on the coding strand, the complement: BRIP1 is on the minus strand). VCF-style: chr17-61784382-G-T. GRCh37 (hg19) VCF-style: chr17-59861743-G-T.
Other names: short protein forms P506T.
Identifiers: ClinVar variation 845263 (VCV000845263.10), dbSNP rs2077671245, ClinGen allele CA400481348.